The following is an entry in ClinVar:

ClinVar aggregate classification (germline): Likely benign. Review status: criteria provided, multiple submitters, no conflicts (2 of 4 stars). 3 submissions from 3 submitters: Likely benign (3). Last evaluated 2024-05-14.

Conditions:
Multiple endocrine neoplasia, type 2 (MEN2). Identifiers: Orphanet 653, MedGen C4048306, MONDO:0019003. Disease mechanism: gain of function.
Hereditary cancer-predisposing syndrome. Also called: Tumor predisposition; Neoplastic Syndromes, Hereditary; Hereditary Cancer Syndrome; Hereditary neoplastic syndrome. Identifiers: Orphanet 140162, MedGen C0027672, MeSH D009386, MONDO:0015356.

Submissions (3):

All of Us Research Program, National Institutes of Health
Classification: Likely benign for Multiple endocrine neoplasia, type 2. Last evaluated: 2024-05-14. Review status: criteria provided, single submitter. Criteria: ACMG Guidelines, 2015. Collection method: clinical testing. Allele origin: germline. Inheritance: Autosomal dominant inheritance. Observed: 1 variant allele, 1 heterozygote.
Comment: This study involves interpretation of variants in research participants for the purpose of population health screening. Participant phenotype was not available at the time of variant classification. Additional details can be found in publication PMID: 35346344, PMCID: PMC8962531

Ambry Genetics
Classification: Likely benign for Hereditary cancer-predisposing syndrome. Last evaluated: 2023-03-12. Review status: criteria provided, single submitter. Criteria: Ambry Variant Classification Scheme 2023. Collection method: clinical testing. Allele origin: germline.

Labcorp Genetics (formerly Invitae), Labcorp
Classification: Likely benign for Multiple endocrine neoplasia, type 2. Last evaluated: 2021-08-09. Review status: criteria provided, single submitter. Criteria: Invitae Variant Classification Sherloc (09022015). Collection method: clinical testing. Allele origin: germline.

NM_020975.6(RET):c.2874G>A (p.Glu958=)

Gene: RET (ret proto-oncogene; plus strand). Cytogenetic location: 10q11.21.
Variant type: single nucleotide variant.
Coding change: c.2874G>A on transcript NM_020975.6 (MANE Select); coding-DNA position 2874, G replaced by A.
Protein change: p.Glu958=; no amino-acid change (glutamic acid 958 retained).
Molecular consequence: synonymous variant.
Genome position (GRCh38, 1-based): chr10:43,123,743, G>A. VCF-style: chr10-43123743-G-A. GRCh37 (hg19) VCF-style: chr10-43619191-G-A.
Other names: c.2586G>A, p.Glu862= (NM_001406770.1, NM_001406766.1, NM_001406767.1); c.2436G>A, p.Glu812= (NM_001406771.1, NM_001406773.1); c.2478G>A, p.Glu826= (NM_001406772.1, NM_001406769.1); c.2349G>A, p.Glu783= (NM_001406774.1); c.2148G>A, p.Glu716= (NM_001406775.1, NM_001406776.1, NM_001406777.1 and 1 more transcripts); c.1977G>A, p.Glu659= (NM_001406779.1, NM_001406780.1, NM_001406781.1 and 1 more transcripts); c.1848G>A, p.Glu616= (NM_001406783.1, NM_001406786.1); c.1884G>A, p.Glu628= (NM_001406784.1); and 10 more.
Identifiers: ClinVar variation 761153 (VCV000761153.13), dbSNP rs1588879531, ClinGen allele CA469030736.